The following is an entry in ClinVar:

NM_001283009.2(RTEL1):c.1310G>C (p.Arg437Pro)

Genes: RTEL1 (regulator of telomere elongation helicase 1; plus strand), RTEL1-TNFRSF6B (RTEL1-TNFRSF6B readthrough (NMD candidate); plus strand). Cytogenetic location: 20q13.33.
Variant type: single nucleotide variant.
Coding change: c.1310G>C on transcript NM_001283009.2 (MANE Select); coding-DNA position 1310, G replaced by C.
Protein change: p.Arg437Pro; replaces arginine 437 with proline.
Molecular consequence: missense variant. On other transcripts: non-coding transcript variant (1).
Genome position (GRCh38, 1-based): chr20:63,685,834, G>C. VCF-style: chr20-63685834-G-C. GRCh37 (hg19) VCF-style: chr20-62317187-G-C.
Other names: c.641G>C, p.Arg214Pro (NM_001283010.1); c.1310G>C, p.Arg437Pro (NM_016434.4); c.1382G>C, p.Arg461Pro (NM_032957.5); c.1382G>C (NM_032957.4); short protein forms R437P, R461P, R214P.
Identifiers: ClinVar variation 965589 (VCV000965589.8), dbSNP rs537151019, ClinGen allele CA9964730.
Genomic context (GRCh38, chr20:63,685,834, plus strand): 5'-GGTCCTGTCCCCTCCAGGTGCACATCCATCCTGATGCTGGTCACCGGAGGACGGCTCAGC[G>C]GTCTGATGCCTGGAGCACCACTGCAGCCAGAAAGCGAGGTACAGACCTGGGCCCACACGC-3'
Protein context (NP_001269938.1, residues 427-447): PDAGHRRTAQ[Arg437Pro]SDAWSTTAAR

ClinVar aggregate classification (germline): Uncertain significance. Review status: criteria provided, multiple submitters, no conflicts (2 of 4 stars). 4 submissions from 4 submitters: Uncertain significance (3). 1 of the submissions does not count toward it. Last evaluated 2025-12-11.

Conditions:
Pulmonary fibrosis and/or bone marrow failure, Telomere-related, 3. Also called: PULMONARY FIBROSIS AND/OR BONE MARROW FAILURE SYNDROME, TELOMERE-RELATED, 3. Identifiers: Orphanet 2032, MedGen C4225346, MONDO:0014613, OMIM 616373.
Dyskeratosis congenita, autosomal recessive 5 (DKCB5). Identifiers: MedGen C3554656, MONDO:0014076, OMIM 615190.
Dyskeratosis congenita. Identifiers: Orphanet 1775, MedGen C0265965, MONDO:0015780.

Allele frequency attached by ClinVar (database versions not stated): TOPMed 0.00004; gnomAD 0.00007; gnomAD exomes 0.00016; ExAC 0.00030.
gnomAD v4.1: 99 of 1,612,544 alleles (0.0061%); highest among the groups gnomAD compares: Non-Finnish European, 0.0081%; no homozygotes.

Submissions (4):

Labcorp Genetics (formerly Invitae), Labcorp
Classification: Uncertain significance for Dyskeratosis congenita, autosomal recessive 5; Pulmonary fibrosis and/or bone marrow failure, Telomere-related, 3. Last evaluated: 2025-12-11. Review status: criteria provided, single submitter. Criteria: Invitae Variant Classification Sherloc (09022015). Collection method: clinical testing. Allele origin: germline.
Comment: This sequence change replaces arginine, which is basic and polar, with proline, which is neutral and non-polar, at codon 437 of the RTEL1 protein (p.Arg437Pro). This variant is present in population databases (rs537151019, gnomAD 0.03%). This variant has not been reported in the literature in individuals affected with RTEL1-related conditions. ClinVar contains an entry for this variant (Variation ID: 965589). An algorithm developed to predict the effect of missense changes on protein structure and function (PolyPhen-2) suggests that this variant is likely to be disruptive. In summary, the available evidence is currently insufficient to determine the role of this variant in disease. Therefore, it has been classified as a Variant of Uncertain Significance.

Blueprint Genetics
Classification: Uncertain significance. Last evaluated: 2024-06-19. Review status: criteria provided, single submitter. Criteria: ACMG Guidelines, 2015. Collection method: clinical testing. Allele origin: germline.

GeneDx
Classification: Uncertain significance. Last evaluated: 2023-12-18. Review status: criteria provided, single submitter. Criteria: GeneDx Variant Classification Process June 2021. Collection method: clinical testing. Allele origin: germline. Affected: yes.
Comment: In silico analysis supports that this missense variant has a deleterious effect on protein structure/function; Has not been previously published as pathogenic or benign to our knowledge

Natera, Inc.
Classification: Uncertain significance for Dyskeratosis congenita. Last evaluated: 2020-02-26. Review status: no assertion criteria provided. Collection method: clinical testing. Allele origin: germline. Not counted in ClinVar's aggregate classification.